The following is an entry in ClinVar:

ClinVar aggregate classification (germline): Uncertain significance. Review status: criteria provided, multiple submitters, no conflicts (2 of 4 stars). 2 submissions from 2 submitters: Uncertain significance (2). Last evaluated 2023-10-19.

Conditions:
Inborn genetic diseases. Identifiers: MedGen C0950123, MeSH D030342.

Allele frequency attached by ClinVar (database versions not stated): gnomAD exomes 0.00001.
gnomAD v4.1: 8 of 1,612,722 alleles (0.0005%); highest among the groups gnomAD compares: Non-Finnish European, 0.00068%; no homozygotes.

Submissions (2):

Labcorp Genetics (formerly Invitae), Labcorp
Classification: Uncertain significance. Last evaluated: 2023-10-19. Review status: criteria provided, single submitter. Criteria: Invitae Variant Classification Sherloc (09022015). Collection method: clinical testing. Allele origin: germline.
Comment: This sequence change replaces glutamine, which is neutral and polar, with arginine, which is basic and polar, at codon 1394 of the LTBP2 protein (p.Gln1394Arg). The frequency data for this variant in the population databases is considered unreliable, as metrics indicate poor data quality at this position in the gnomAD database. This variant has not been reported in the literature in individuals affected with LTBP2-related conditions. ClinVar contains an entry for this variant (Variation ID: 1932661). An algorithm developed to predict the effect of missense changes on protein structure and function (PolyPhen-2) suggests that this variant is likely to be tolerated. In summary, the available evidence is currently insufficient to determine the role of this variant in disease. Therefore, it has been classified as a Variant of Uncertain Significance.

Ambry Genetics
Classification: Uncertain significance for Inborn genetic diseases. Last evaluated: 2022-08-12. Review status: criteria provided, single submitter. Criteria: Ambry Variant Classification Scheme 2023. Collection method: clinical testing. Allele origin: germline.

NM_000428.3(LTBP2):c.4181A>G (p.Gln1394Arg)

Gene: LTBP2 (latent transforming growth factor beta binding protein 2; minus strand). Cytogenetic location: 14q24.3.
Variant type: single nucleotide variant.
Coding change: c.4181A>G on transcript NM_000428.3 (MANE Select); coding-DNA position 4181, A replaced by G.
Protein change: p.Gln1394Arg; replaces glutamine 1394 with arginine.
Molecular consequence: missense variant.
Genome position (GRCh38, 1-based): chr14:74,505,171, T>C on the plus strand (A>G on the coding strand, the complement: LTBP2 is on the minus strand). VCF-style: chr14-74505171-T-C. GRCh37 (hg19) VCF-style: chr14-74971874-T-C.
Other names: short protein forms Q1394R.
Identifiers: ClinVar variation 1932661 (VCV001932661.6), dbSNP rs1398241239, ClinGen allele CA390386184.
Genomic context (GRCh38, chr14:74,505,171, plus strand): 5'-TAGCAGTCCATGCGGGTGGGGGCCGGGGCATGGTCCCCCGTTGGGGCCTCAGACATACTC[T>C]GACCTGTGCGTGACAGATGCTCATTACTGTCTGTTCATGACCCTCTAAGGGGGGTCAATA-3'
Protein context (NP_000419.1, residues 1384-1404): GHCRPRGAGG[Gln1394Arg]SMSEAPTGDH